The following is an entry in ClinVar:

ClinVar aggregate classification (germline): Likely benign. Review status: criteria provided, multiple submitters, no conflicts (2 of 4 stars). 2 submissions from 2 submitters: Likely benign (2). Last evaluated 2018-06-14.

Allele frequency attached by ClinVar (database versions not stated): gnomAD 0.00831 and 0.00880; 1000 Genomes Project 0.00998; TOPMed 0.01039; 1000 Genomes Project 30x 0.01124.
gnomAD v4.1: 5,142 of 1,382,160 alleles (0.37%); highest among the groups gnomAD compares: Middle Eastern, 2.2%; 48 homozygotes.

Submissions (2):

GeneDx
Classification: Likely benign. Last evaluated: 2018-06-14. Review status: criteria provided, single submitter. Criteria: GeneDx Variant Classification (06012015). Collection method: clinical testing. Allele origin: germline. Affected: yes.
Comment: This variant is considered likely benign or benign based on one or more of the following criteria: it is a conservative change, it occurs at a poorly conserved position in the protein, it is predicted to be benign by multiple in silico algorithms, and/or has population frequency not consistent with disease.

Breakthrough Genomics
Classification: Likely benign. Review status: criteria provided, single submitter. Criteria: ACMG Guidelines, 2015. Collection method: not provided. Allele origin: germline. Inheritance: Autosomal recessive inheritance. Affected: yes.

NM_007254.4(PNKP):c.744+81G>A

Gene: PNKP (polynucleotide kinase 3'-phosphatase; minus strand). Cytogenetic location: 19q13.33.
Variant type: single nucleotide variant.
Coding change: c.744+81G>A on transcript NM_007254.4 (MANE Select); 81 bases into the intron after coding-DNA position 744, G replaced by A.
Molecular consequence: intron variant.
Genome position (GRCh38, 1-based): chr19:49,863,883, C>T on the plus strand (G>A on the coding strand, the complement: PNKP is on the minus strand). VCF-style: chr19-49863883-C-T. GRCh37 (hg19) VCF-style: chr19-50367140-C-T.
Identifiers: ClinVar variation 670915 (VCV000670915.2), dbSNP rs150731099, ClinGen allele CA14704549.